The following is an entry in ClinVar:

ClinVar aggregate classification (germline): Uncertain significance (1 of 4 stars; one submission).

Conditions:
Congenital prothrombin deficiency. Also called: HYPOPROTHROMBINEMIA; Inherited hypoprothrombinemia; Congenital factor II deficiency; Inherited prothrombin deficiency; Factor II deficiency; Hereditary factor II deficiency disease. Identifiers: Orphanet 325, MedGen C0272317, MONDO:0013361, OMIM 613679.

gnomAD v4.1: 14 of 1,613,592 alleles (0.00087%); highest among the groups gnomAD compares: African/African-American, 0.0027%; no homozygotes.

Submission:

Labcorp Genetics (formerly Invitae), Labcorp
Classification: Uncertain significance for Congenital prothrombin deficiency. Last evaluated: 2024-12-27. Review status: criteria provided, single submitter. Criteria: Invitae Variant Classification Sherloc (09022015). Collection method: clinical testing. Allele origin: germline.
Comment: This sequence change replaces arginine, which is basic and polar, with cysteine, which is neutral and slightly polar, at codon 543 of the F2 protein (p.Arg543Cys). This variant is present in population databases (no rsID available, gnomAD 0.004%). This variant has not been reported in the literature in individuals affected with F2-related conditions. Invitae Evidence Modeling of protein sequence and biophysical properties (such as structural, functional, and spatial information, amino acid conservation, physicochemical variation, residue mobility, and thermodynamic stability) has been performed for this missense variant. However, the output from this modeling did not meet the statistical confidence thresholds required to predict the impact of this variant on F2 protein function. In summary, the available evidence is currently insufficient to determine the role of this variant in disease. Therefore, it has been classified as a Variant of Uncertain Significance.

NM_000506.5(F2):c.1627C>T (p.Arg543Cys)

Gene: F2 (coagulation factor II, thrombin; plus strand). Cytogenetic location: 11p11.2.
Variant type: single nucleotide variant.
Coding change: c.1627C>T on transcript NM_000506.5 (MANE Select); coding-DNA position 1627, C replaced by T.
Protein change: p.Arg543Cys; replaces arginine 543 with cysteine.
Molecular consequence: missense variant.
Genome position (GRCh38, 1-based): chr11:46,729,534, C>T. VCF-style: chr11-46729534-C-T. GRCh37 (hg19) VCF-style: chr11-46751084-C-T.
Other names: short protein forms R543C.
Identifiers: ClinVar variation 3709399 (VCV003709399.1).
Genomic context (GRCh38, chr11:46,729,534, plus strand): 5'-CTGCAGGTGGTGAACCTGCCCATTGTGGAGCGGCCGGTCTGCAAGGACTCCACCCGGATC[C>T]GCATCACTGACAACATGTTCTGTGCTGGCAAGTCTGTGCAGGGCGGGCTGAGGGAACAGT-3'
Protein context (NP_000497.1, residues 533-553): RPVCKDSTRI[Arg543Cys]ITDNMFCAGY